The following is an entry in ClinVar:

ClinVar aggregate classification (germline): Likely benign (1 of 4 stars; one submission).

gnomAD v4.1: 1,028 of 1,349,360 alleles (0.076%); highest among the groups gnomAD compares: East Asian, 0.83%; 1 homozygote.

Submission:

CeGaT Center for Human Genetics Tuebingen
Classification: Likely benign. Last evaluated: 2025-04-01. Review status: criteria provided, single submitter. Criteria: CeGaT Center For Human Genetics Tuebingen Variant Classification Criteria Version 2. Collection method: clinical testing. Allele origin: germline. Affected: yes. Observed: 1 variant allele.
Comment: ACTL6B: BP4

NM_016188.5(ACTL6B):c.-6G>A

Gene: ACTL6B (actin like 6B; minus strand). Cytogenetic location: 7q22.1.
Variant type: single nucleotide variant.
Coding change: c.-6G>A on transcript NM_016188.5 (MANE Select); 6 bases upstream of the start codon, G replaced by A.
Molecular consequence: 5 prime UTR variant. On other transcripts: non-coding transcript variant (1).
Genome position (GRCh38, 1-based): chr7:100,656,360, C>T on the plus strand (G>A on the coding strand, the complement: ACTL6B is on the minus strand). VCF-style: chr7-100656360-C-T. GRCh37 (hg19) VCF-style: chr7-100253983-C-T.
Identifiers: ClinVar variation 3898156 (VCV003898156.7).
Genomic context (GRCh38, chr7:100,656,360, plus strand): 5'-GCGGGAGCCGGGGGCCCGAGGCTCGCTCACCTCCGCCGTAGACGCCCCCGCTCATAGTGC[C>T]CGCTGCGCTGCTAGCGGCCCGTGGGCGGTGGCGGGATCAGCACCGAGGCGGCCGGACAGC-3'